The following is an entry in ClinVar:

NM_004629.1(FANCG):c.-450G>C

Gene: FANCG (FA complementation group G; minus strand). Cytogenetic location: 9p13.3.
Variant type: single nucleotide variant.
Coding change: c.-450G>C on transcript NM_004629.1; 450 bases upstream of the start codon, G replaced by C.
Genome position (GRCh38, 1-based): chr9:35,079,974, C>G on the plus strand (G>C on the coding strand, the complement: FANCG is on the minus strand). VCF-style: chr9-35079974-C-G. GRCh37 (hg19) VCF-style: chr9-35079971-C-G.
Identifiers: ClinVar variation 366743 (VCV000366743.7), dbSNP rs535301610, ClinGen allele CA10633633.

ClinVar aggregate classification (germline): Likely benign (1 of 4 stars; one submission).

Conditions:
Fanconi anemia complementation group G. Also called: FANCG-Related Fanconi Anemia; Fanconi anemia group G. Identifiers: Orphanet 84, MedGen C3469527, MONDO:0013565, OMIM 614082.

Allele frequency attached by ClinVar (database versions not stated): 1000 Genomes Project 0.00379; gnomAD 0.00283; 1000 Genomes Project 30x 0.00312; TOPMed 0.00346.

Submission:

Illumina Laboratory Services, Illumina
Classification: Likely benign for Fanconi anemia complementation group G. Last evaluated: 2018-01-13. Review status: criteria provided, single submitter. Criteria: ICSL Variant Classification Criteria 13 December 2019. Collection method: clinical testing. Allele origin: germline.
Comment: This variant was observed in the ICSL laboratory as part of a predisposition screen in an ostensibly healthy population. It had not been previously curated by ICSL or reported in the Human Gene Mutation Database (HGMD: prior to June 1st, 2018), and was therefore a candidate for classification through an automated scoring system. Utilizing variant allele frequency, disease prevalence and penetrance estimates, and inheritance mode, an automated score was calculated to assess if this variant is too frequent to cause the disease. Based on the score and internal cut-off values, a variant classified as likely benign is not then subjected to further curation. The score for this variant resulted in a classification of likely benign for this disease.